The following is an entry in ClinVar:

NM_022124.6(CDH23):c.253G>T (p.Gly85Cys)

Genes: CDH23-AS1 (CDH23 antisense RNA 1; minus strand), CDH23 (cadherin related 23; plus strand). Cytogenetic location: 10q22.1.
Variant type: single nucleotide variant.
Coding change: c.253G>T on transcript NM_022124.6 (MANE Select); coding-DNA position 253, G replaced by T.
Protein change: p.Gly85Cys; replaces glycine 85 with cysteine.
Molecular consequence: missense variant.
Genome position (GRCh38, 1-based): chr10:71,510,189, G>T. VCF-style: chr10-71510189-G-T. GRCh37 (hg19) VCF-style: chr10-73269946-G-T.
Other names: c.253G>T, p.Gly85Cys (NM_001171932.2, NM_052836.4, NM_001171930.2 and 1 more transcripts); short protein forms G85C.
Identifiers: ClinVar variation 3636944 (VCV003636944.2).
Genomic context (GRCh38, chr10:71,510,189, plus strand): 5'-CTGGTGTTTGGCGTGTCTGGGGAGGAGGCCTCTCGCTTCTTTGCAGTGGAGCCTGACACT[G>T]GCGTGGTGTGGCTCCGGCAGCCACTGGACAGAGAGGTATGACTTGCCCATACCCCTGCCC-3'
Protein context (NP_071407.4, residues 75-95): SRFFAVEPDT[Gly85Cys]VVWLRQPLDR

ClinVar aggregate classification (germline): Uncertain significance (1 of 4 stars; one submission).

Submission:

Labcorp Genetics (formerly Invitae), Labcorp
Classification: Uncertain significance. Last evaluated: 2024-03-18. Review status: criteria provided, single submitter. Criteria: Invitae Variant Classification Sherloc (09022015). Collection method: clinical testing. Allele origin: germline.
Comment: This sequence change replaces glycine, which is neutral and non-polar, with cysteine, which is neutral and slightly polar, at codon 85 of the CDH23 protein (p.Gly85Cys). This variant is not present in population databases (gnomAD no frequency). This missense change has been observed in individual(s) with deafness (Invitae). In at least one individual the data is consistent with being in trans (on the opposite chromosome) from a pathogenic variant. Advanced modeling of protein sequence and biophysical properties (such as structural, functional, and spatial information, amino acid conservation, physicochemical variation, residue mobility, and thermodynamic stability) has been performed at Invitae for this missense variant, however the output from this modeling did not meet the statistical confidence thresholds required to predict the impact of this variant on CDH23 protein function. In summary, the available evidence is currently insufficient to determine the role of this variant in disease. Therefore, it has been classified as a Variant of Uncertain Significance.